The following is an entry in ClinVar:

ClinVar aggregate classification (germline): Uncertain significance (1 of 4 stars; one submission).

Conditions:
Dyskeratosis congenita. Identifiers: Orphanet 1775, MedGen C0265965, MONDO:0015780.

Submission:

Labcorp Genetics (formerly Invitae), Labcorp
Classification: Uncertain significance for Dyskeratosis congenita. Last evaluated: 2022-09-15. Review status: criteria provided, single submitter. Criteria: Invitae Variant Classification Sherloc (09022015). Collection method: clinical testing. Allele origin: germline.
Comment: This sequence change replaces lysine, which is basic and polar, with glutamine, which is neutral and polar, at codon 58 of the NHP2 protein (p.Lys58Gln). This variant is not present in population databases (gnomAD no frequency). This variant has not been reported in the literature in individuals affected with NHP2-related conditions. Algorithms developed to predict the effect of missense changes on protein structure and function are either unavailable or do not agree on the potential impact of this missense change (SIFT: "Deleterious"; PolyPhen-2: "Probably Damaging"; Align-GVGD: "Class C0"). In summary, the available evidence is currently insufficient to determine the role of this variant in disease. Therefore, it has been classified as a Variant of Uncertain Significance.

NM_017838.4(NHP2):c.172A>C (p.Lys58Gln)

Gene: NHP2 (NHP2 ribonucleoprotein; minus strand). Cytogenetic location: 5q35.3.
Variant type: single nucleotide variant.
Coding change: c.172A>C on transcript NM_017838.4 (MANE Select); coding-DNA position 172, A replaced by C.
Protein change: p.Lys58Gln; replaces lysine 58 with glutamine.
Molecular consequence: missense variant.
Genome position (GRCh38, 1-based): chr5:178,153,549, T>G on the plus strand (A>C on the coding strand, the complement: NHP2 is on the minus strand). VCF-style: chr5-178153549-T-G. GRCh37 (hg19) VCF-style: chr5-177580550-T-G.
Other names: c.172A>C, p.Lys58Gln (NM_001034833.2, NM_001396110.1); short protein forms K58Q.
Identifiers: ClinVar variation 1718942 (VCV001718942.5), dbSNP rs2480691159, ClinGen allele CA362392579.